The following is an entry in ClinVar:

ClinVar aggregate classification (germline): Uncertain significance. Review status: criteria provided, multiple submitters, no conflicts (2 of 4 stars). 2 submissions from 2 submitters: Uncertain significance (2). Last evaluated 2024-01-02.

Conditions:
Hereditary cancer-predisposing syndrome. Also called: Hereditary Cancer Syndrome; Neoplastic Syndromes, Hereditary; Tumor predisposition; Hereditary neoplastic syndrome. Identifiers: Orphanet 140162, MedGen C0027672, MeSH D009386, MONDO:0015356.
BAP1-related tumor predisposition syndrome (TPDS1). Also called: Tumor susceptibility linked to germline BAP1 mutations; BAP1 tumor predisposition syndrome; COMMON Syndrome; TUMOR PREDISPOSITION SYNDROME 1. Identifiers: Orphanet 289539, MedGen C3280492, MONDO:0013692, OMIM 614327.

Allele frequency attached by ClinVar (database versions not stated): TOPMed 0.00001.

Submissions (2):

Labcorp Genetics (formerly Invitae), Labcorp
Classification: Uncertain significance for BAP1-related tumor predisposition syndrome. Last evaluated: 2024-01-02. Review status: criteria provided, single submitter. Criteria: Invitae Variant Classification Sherloc (09022015). Collection method: clinical testing. Allele origin: germline.
Comment: This sequence change replaces proline, which is neutral and non-polar, with serine, which is neutral and polar, at codon 479 of the BAP1 protein (p.Pro479Ser). This variant is not present in population databases (gnomAD no frequency). This variant has not been reported in the literature in individuals affected with BAP1-related conditions. ClinVar contains an entry for this variant (Variation ID: 489619). Advanced modeling of protein sequence and biophysical properties (such as structural, functional, and spatial information, amino acid conservation, physicochemical variation, residue mobility, and thermodynamic stability) performed at Invitae indicates that this missense variant is not expected to disrupt BAP1 protein function with a negative predictive value of 80%. In summary, the available evidence is currently insufficient to determine the role of this variant in disease. Therefore, it has been classified as a Variant of Uncertain Significance.

Color Diagnostics, LLC DBA Color Health
Classification: Uncertain significance for Hereditary cancer-predisposing syndrome. Last evaluated: 2023-12-05. Review status: criteria provided, single submitter. Criteria: ACMG Guidelines, 2015. Collection method: clinical testing. Allele origin: germline.
Comment: This missense variant replaces proline with serine at codon 479 of the BAP1 protein. Computational prediction suggests that this variant may not impact protein structure and function (internally defined REVEL score threshold <= 0.5, PMID: 27666373). To our knowledge, functional studies have not been reported for this variant. This variant has not been reported in individuals affected with BAP1-related disorders in the literature. This variant has not been identified in the general population by the Genome Aggregation Database (gnomAD). The available evidence is insufficient to determine the role of this variant in disease conclusively. Therefore, this variant is classified as a Variant of Uncertain Significance.

NM_004656.4(BAP1):c.1435C>T (p.Pro479Ser)

Gene: BAP1 (BRCA1 associated deubiquitinase 1; minus strand). Cytogenetic location: 3p21.1.
Variant type: single nucleotide variant.
Coding change: c.1435C>T on transcript NM_004656.4 (MANE Select); coding-DNA position 1435, C replaced by T.
Protein change: p.Pro479Ser; replaces proline 479 with serine.
Molecular consequence: missense variant.
Genome position (GRCh38, 1-based): chr3:52,403,710, G>A on the plus strand (C>T on the coding strand, the complement: BAP1 is on the minus strand). VCF-style: chr3-52403710-G-A. GRCh37 (hg19) VCF-style: chr3-52437726-G-A.
Other names: c.1435C>T (LRG_529t1); short protein forms P479S.
Identifiers: ClinVar variation 489619 (VCV000489619.11), dbSNP rs1186059448, ClinGen allele CA353101338.